The following is an entry in ClinVar:

NM_001009944.3(PKD1):c.3930C>T (p.Asp1310=)

Gene: PKD1 (polycystin 1, transient receptor potential channel interacting; minus strand). Cytogenetic location: 16p13.3.
Variant type: single nucleotide variant.
Coding change: c.3930C>T on transcript NM_001009944.3 (MANE Select); coding-DNA position 3930, C replaced by T.
Protein change: p.Asp1310=; no amino-acid change (aspartic acid 1310 retained).
Molecular consequence: synonymous variant.
Genome position (GRCh38, 1-based): chr16:2,111,237, G>A on the plus strand (C>T on the coding strand, the complement: PKD1 is on the minus strand). VCF-style: chr16-2111237-G-A. GRCh37 (hg19) VCF-style: chr16-2161238-G-A.
Other names: c.3930C>T, p.Asp1310= (NM_000296.4).
Identifiers: ClinVar variation 256957 (VCV000256957.22), dbSNP rs147850232, ClinGen allele CA7832574.

ClinVar aggregate classification (germline): Benign/Likely benign. Review status: criteria provided, multiple submitters, no conflicts (2 of 4 stars). 7 submissions from 7 submitters: Benign (2); Likely benign (5). Last evaluated 2026-04-16.

Conditions:
Polycystic kidney disease, adult type (PKD1). Also called: POLYCYSTIC KIDNEY DISEASE 1 WITH OR WITHOUT POLYCYSTIC LIVER DISEASE; Polycystic Kidney Disease 1, Autosomal Dominant; Polycystic kidney disease 1; Polycystic kidney disease 1, severe; Polycystic Kidney, Autosomal Dominant; POLYCYSTIC KIDNEY DISEASE, ADULT, TYPE I. Identifiers: MedGen C3149841, MONDO:0008263, OMIM 173900.

Allele frequency attached by ClinVar (database versions not stated): ExAC 0.00080; gnomAD 0.00211 and 0.00226; 1000 Genomes Project 0.00240; TOPMed 0.00256; 1000 Genomes Project 30x 0.00265; ESP Exome Variant Server 0.00278; gnomAD exomes 0.00025 and 0.00065.
gnomAD v4.1: 685 of 1,610,850 alleles (0.043%); highest among the groups gnomAD compares: African/African-American, 0.72%; 2 homozygotes.

Submissions (7):

Women's Health and Genetics/Laboratory Corporation of America, LabCorp
Classification: Likely benign. Last evaluated: 2026-04-16. Review status: criteria provided, single submitter. Criteria: LabCorp Variant Classification Summary - May 2015. Collection method: clinical testing. Allele origin: germline.

CeGaT Center for Human Genetics Tuebingen
Classification: Likely benign. Last evaluated: 2025-10-01. Review status: criteria provided, single submitter. Criteria: CeGaT Center For Human Genetics Tuebingen Variant Classification Criteria Version 2. Collection method: clinical testing. Allele origin: germline. Affected: yes. Observed: 1 variant allele.
Comment: PKD1: BP4, BP7

Blueprint Genetics
Classification: Likely benign. Last evaluated: 2024-09-23. Review status: criteria provided, single submitter. Criteria: ACMG Guidelines, 2015. Collection method: clinical testing. Allele origin: germline.

Department of Pathology and Laboratory Medicine, Sinai Health System
Classification: Likely benign for Polycystic kidney disease, adult type. Last evaluated: 2021-08-25. Review status: criteria provided, single submitter. Criteria: ACMG Guidelines, 2015. Collection method: clinical testing. Allele origin: germline. Affected: yes.

GeneDx
Classification: Likely benign. Last evaluated: 2020-12-01. Review status: criteria provided, single submitter. Criteria: GeneDx Variant Classification Process June 2021. Collection method: clinical testing. Allele origin: germline. Affected: yes.

ARUP Laboratories, Molecular Genetics and Genomics, ARUP Laboratories
Classification: Benign for Polycystic kidney disease, adult type. Last evaluated: 2019-03-01. Review status: criteria provided, single submitter. Criteria: ARUP Molecular Germline Variant Investigation Process. Collection method: clinical testing. Allele origin: germline.

PreventionGenetics, part of Exact Sciences
Classification: Benign. Review status: criteria provided, single submitter. Criteria: ACMG Guidelines, 2015. Collection method: clinical testing. Allele origin: germline.

Literature cited by the submitters: PubMed 17574468 (cited by Department of Pathology and Laboratory Medicine, Sinai Health System).